The following is an entry in ClinVar:

NM_005445.4(SMC3):c.369C>T (p.Asn123=)

Gene: SMC3 (structural maintenance of chromosomes 3; plus strand). Cytogenetic location: 10q25.2.
Variant type: single nucleotide variant.
Coding change: c.369C>T on transcript NM_005445.4 (MANE Select); coding-DNA position 369, C replaced by T.
Protein change: p.Asn123=; no amino-acid change (asparagine 123 retained).
Molecular consequence: synonymous variant.
Genome position (GRCh38, 1-based): chr10:110,578,646, C>T. VCF-style: chr10-110578646-C-T. GRCh37 (hg19) VCF-style: chr10-112338404-C-T.
Identifiers: ClinVar variation 298764 (VCV000298764.33), dbSNP rs779773957, ClinGen allele CA5687728.

ClinVar aggregate classification (germline): Conflicting classifications of pathogenicity. Review status: criteria provided, conflicting classifications (1 of 4 stars). 5 submissions from 5 submitters: Uncertain significance (1); Likely benign (4). Last evaluated 2026-01-30.

Conditions:
Inborn genetic diseases. Identifiers: MedGen C0950123, MeSH D030342.
SMC3-related disorder. Also called: SMC3-related condition.
Cornelia de Lange syndrome 3 (CDLS3). Also called: SMC3-Related Cornelia de Lange Syndrome; CORNELIA DE LANGE SYNDROME 3 WITH OR WITHOUT MIDLINE BRAIN DEFECTS. Identifiers: Orphanet 199, MedGen C1853099, MONDO:0012555, OMIM 610759.

Allele frequency attached by ClinVar (database versions not stated): ExAC 0.00001; gnomAD exomes 0.00001; gnomAD 0.00002 and 0.00003; TOPMed 0.00002.
gnomAD v4.1: 30 of 1,609,442 alleles (0.0019%); highest among the groups gnomAD compares: Non-Finnish European, 0.0024%; no homozygotes.

Submissions (5):

PreventionGenetics, part of Exact Sciences
Classification: Likely benign for SMC3-related condition. Last evaluated: 2026-01-30. Review status: criteria provided, single submitter. Criteria: ACMG Guidelines, 2015. Collection method: clinical testing. Allele origin: germline.
Comment: This variant is classified as likely benign based on ACMG/AMP sequence variant interpretation guidelines (Richards et al. 2015 PMID: 25741868, with internal and published modifications).

Blueprint Genetics
Classification: Likely benign. Last evaluated: 2024-07-10. Review status: criteria provided, single submitter. Criteria: ACMG Guidelines, 2015. Collection method: clinical testing. Allele origin: germline.

CeGaT Center for Human Genetics Tuebingen
Classification: Likely benign. Last evaluated: 2022-12-01. Review status: criteria provided, single submitter. Criteria: CeGaT Center For Human Genetics Tuebingen Variant Classification Criteria Version 2. Collection method: clinical testing. Allele origin: germline. Affected: yes. Observed: 1 variant allele.
Comment: SMC3: BP4, BP7

Ambry Genetics
Classification: Likely benign for Inborn genetic diseases. Last evaluated: 2018-07-13. Review status: criteria provided, single submitter. Criteria: Ambry Variant Classification Scheme 2023. Collection method: clinical testing. Allele origin: germline.

Illumina Laboratory Services, Illumina
Classification: Uncertain significance for Cornelia de Lange syndrome 3. Last evaluated: 2018-01-12. Review status: criteria provided, single submitter. Criteria: ICSL Variant Classification Criteria 13 December 2019. Collection method: clinical testing. Allele origin: germline.